The following is an entry in ClinVar:

NM_020066.5(FMN2):c.3600T>A (p.Pro1200=)

Gene: FMN2 (formin 2; plus strand). Cytogenetic location: 1q43.
Variant type: single nucleotide variant.
Coding change: c.3600T>A on transcript NM_020066.5 (MANE Select); coding-DNA position 3600, T replaced by A.
Protein change: p.Pro1200=; no amino-acid change (proline 1200 retained).
Molecular consequence: synonymous variant. On other transcripts: intron variant (1).
Genome position (GRCh38, 1-based): chr1:240,208,412, T>A. VCF-style: chr1-240208412-T-A. GRCh37 (hg19) VCF-style: chr1-240371712-T-A.
Other names: c.3612T>A, p.Pro1204= (NM_001305424.2); c.1986+20150T>A (NM_001348094.2).
Identifiers: ClinVar variation 932657 (VCV000932657.40), dbSNP rs138448278, ClinGen allele CA1477255.

ClinVar aggregate classification (germline): Likely benign. Review status: criteria provided, multiple submitters, no conflicts (2 of 4 stars). 3 submissions from 3 submitters: Likely benign (3). Last evaluated 2026-02-01.

Allele frequency attached by ClinVar (database versions not stated): ESP Exome Variant Server 0.00023; 1000 Genomes Project 30x 0.00031; 1000 Genomes Project 0.00040; gnomAD exomes 0.00045 and 0.00062; gnomAD 0.00055 and 0.00057; ExAC 0.00076.
gnomAD v4.1: 724 of 1,540,644 alleles (0.047%); highest among the groups gnomAD compares: Middle Eastern, 1.1%; 2 homozygotes.

Submissions (3):

CeGaT Center for Human Genetics Tuebingen
Classification: Likely benign. Last evaluated: 2026-02-01. Review status: criteria provided, single submitter. Criteria: CeGaT Center For Human Genetics Tuebingen Variant Classification Criteria Version 2. Collection method: clinical testing. Allele origin: germline. Affected: yes. Observed: 18 variant alleles.
Comment: FMN2: BP4, BP7

Blueprint Genetics
Classification: Likely benign. Last evaluated: 2024-10-04. Review status: criteria provided, single submitter. Criteria: ACMG Guidelines, 2015. Collection method: clinical testing. Allele origin: germline.

Breakthrough Genomics
Classification: Likely benign. Review status: criteria provided, single submitter. Criteria: ACMG Guidelines, 2015. Collection method: not provided. Allele origin: germline. Inheritance: Autosomal recessive inheritance. Affected: yes.